The following is an entry in ClinVar:

NM_012469.4(PRPF6):c.2023G>A (p.Ala675Thr)

Gene: PRPF6 (pre-mRNA processing factor 6; plus strand). Cytogenetic location: 20q13.33.
Variant type: single nucleotide variant.
Coding change: c.2023G>A on transcript NM_012469.4 (MANE Select); coding-DNA position 2023, G replaced by A.
Protein change: p.Ala675Thr; replaces alanine 675 with threonine.
Molecular consequence: missense variant.
Genome position (GRCh38, 1-based): chr20:64,026,053, G>A. VCF-style: chr20-64026053-G-A. GRCh37 (hg19) VCF-style: chr20-62657406-G-A.
Other names: short protein forms A675T.
Identifiers: ClinVar variation 3637667 (VCV003637667.3).

ClinVar aggregate classification (germline): Uncertain significance. Review status: criteria provided, multiple submitters, no conflicts (2 of 4 stars). 2 submissions from 2 submitters: Uncertain significance (2). Last evaluated 2024-11-20.

gnomAD v4.1: 11 of 1,604,308 alleles (0.00069%); highest among the groups gnomAD compares: East Asian, 0.0022%; no homozygotes.

Submissions (2):

Labcorp Genetics (formerly Invitae), Labcorp
Classification: Uncertain significance. Last evaluated: 2024-11-20. Review status: criteria provided, single submitter. Criteria: Invitae Variant Classification Sherloc (09022015). Collection method: clinical testing. Allele origin: germline.
Comment: This sequence change replaces alanine, which is neutral and non-polar, with threonine, which is neutral and polar, at codon 675 of the PRPF6 protein (p.Ala675Thr). This variant is not present in population databases (gnomAD no frequency). This variant has not been reported in the literature in individuals affected with PRPF6-related conditions. Invitae Evidence Modeling of protein sequence and biophysical properties (such as structural, functional, and spatial information, amino acid conservation, physicochemical variation, residue mobility, and thermodynamic stability) indicates that this missense variant is expected to disrupt PRPF6 protein function with a positive predictive value of 80%. In summary, the available evidence is currently insufficient to determine the role of this variant in disease. Therefore, it has been classified as a Variant of Uncertain Significance.

Blueprint Genetics
Classification: Uncertain significance. Last evaluated: 2020-02-07. Review status: criteria provided, single submitter. Criteria: ACMG Guidelines, 2015. Collection method: clinical testing. Allele origin: germline.